The following is an entry in ClinVar:

ClinVar aggregate classification (germline): Uncertain significance. Review status: criteria provided, multiple submitters, no conflicts (2 of 4 stars). 2 submissions from 2 submitters: Uncertain significance (2). Last evaluated 2025-08-21.

Conditions:
Neuronopathy, distal hereditary motor, type 9. Also called: NEURONOPATHY, DISTAL HEREDITARY MOTOR, TYPE IX; NEUROPATHY, DISTAL HEREDITARY MOTOR, TYPE IX; NEURONOPATHY, DISTAL HEREDITARY MOTOR, AUTOSOMAL DOMINANT 9. Identifiers: MedGen C4540265, MONDO:0060585, OMIM 617721.

Submissions (2):

Victorian Clinical Genetics Services, Murdoch Childrens Research Institute
Classification: Uncertain significance for Neuronopathy, distal hereditary motor, type 9. Last evaluated: 2025-08-21. Review status: criteria provided, single submitter. Criteria: ACMG Guidelines, 2015. Collection method: clinical testing. Allele origin: germline. Affected: yes.
Comment: This variant is classified as VUS-3A. Evidence in support of pathogenic classification: Variant is absent from gnomAD (v2, v3 and v4); Missense variant predicted to be damaging by in silico tool(s) or highly conserved with a major amino acid change. Additional information: Variant is predicted to result in a missense amino acid change from Pro to Ser; This variant is heterozygous; This gene is associated with both recessive and dominant disease. This gene is associated with autosomal dominant neuronopathy, distal hereditary motor 9 (MIM#617721), and autosomal recessive neurodevelopmental disorder with microcephaly and speech delay, with or without brain abnormalities (MIM#620317); Previous evidence of pathogenicity for this variant is inconclusive. This variant has been classified as a VUS by a clinical laboratory in ClinVar; No published evidence of segregation with disease has been identified for this variant; No published functional evidence has been identified for this variant; No comparable missense variants have previous evidence for pathogenicity; Variant is located in the annotated connective polypeptide 1 (CP1) insertion of the catalytic domain (PMID: 28369220); Dominant negative is a likely mechanism of disease in this gene and is associated with autosomal dominant neuronopathy, distal hereditary motor 9 (MIM#617721; PMID: 28369220). Loss of function is a known mechanism of disease in this gene and is associated with autosomal recessive neurodevelopmental disorder with microcephaly and speech delay, with or without brain abnormalities (MIM#620317; PMID: 35815345, PMID: 35790048); Inheritance information for this variant is not currently available in this individual.

MGZ Medical Genetics Center
Classification: Uncertain significance for Neuronopathy, distal hereditary motor, type 9. Last evaluated: 2022-08-22. Review status: criteria provided, single submitter. Criteria: ACMG Guidelines, 2015. Collection method: clinical testing. Allele origin: germline. Affected: yes. Observed: 1 variant allele.
Comment: ACMG criteria applied: PM2_SUP

Literature cited by the submitters: PubMed 28369220 (cited by Victorian Clinical Genetics Services, Murdoch Childrens Research Institute); PubMed 35790048 (cited by Victorian Clinical Genetics Services, Murdoch Childrens Research Institute); PubMed 35815345 (cited by Victorian Clinical Genetics Services, Murdoch Childrens Research Institute).

NM_004184.4(WARS1):c.841C>T (p.Pro281Ser)

Gene: WARS1 (tryptophanyl-tRNA synthetase 1; minus strand). Cytogenetic location: 14q32.2.
Variant type: single nucleotide variant.
Coding change: c.841C>T on transcript NM_004184.4 (MANE Select); coding-DNA position 841, C replaced by T.
Protein change: p.Pro281Ser; replaces proline 281 with serine.
Molecular consequence: missense variant.
Genome position (GRCh38, 1-based): chr14:100,343,373, G>A on the plus strand (C>T on the coding strand, the complement: WARS1 is on the minus strand). VCF-style: chr14-100343373-G-A. GRCh37 (hg19) VCF-style: chr14-100809710-G-A.
Other names: c.841C>T, p.Pro281Ser (NM_173701.2); c.718C>T, p.Pro240Ser (NM_213645.2, NM_213646.2); short protein forms P240S, P281S.
Identifiers: ClinVar variation 1709756 (VCV001709756.4), dbSNP rs2549242563, ClinGen allele CA390980218.